The following is an entry in ClinVar:

NM_018063.5(HELLS):c.122G>C (p.Gly41Ala)

Gene: HELLS (helicase, lymphoid specific; plus strand). Cytogenetic location: 10q23.33.
Variant type: single nucleotide variant.
Coding change: c.122G>C on transcript NM_018063.5 (MANE Select); coding-DNA position 122, G replaced by C.
Protein change: p.Gly41Ala; replaces glycine 41 with alanine.
Molecular consequence: missense variant. On other transcripts: 5 prime UTR variant (4).
Genome position (GRCh38, 1-based): chr10:94,546,467, G>C. VCF-style: chr10-94546467-G-C. GRCh37 (hg19) VCF-style: chr10-96306224-G-C.
Other names: c.-228G>C (NM_001289073.2); c.-881G>C (NM_001289074.2); c.-900G>C (NM_001289075.2); c.122G>C, p.Gly41Ala (NM_001289067.2, NM_001289069.2, NM_001289070.2 and 1 more transcripts); c.74G>C, p.Gly25Ala (NM_001289068.2); c.-295G>C (NM_001289071.2); short protein forms G25A, G41A.
Identifiers: ClinVar variation 1941228 (VCV001941228.5), dbSNP rs764961721, ClinGen allele CA5615155.

ClinVar aggregate classification (germline): Uncertain significance (1 of 4 stars; one submission).

Allele frequency attached by ClinVar (database versions not stated): ExAC 0.00001; TOPMed 0.00002; gnomAD 0.00003.
gnomAD v4.1: 6 of 1,614,034 alleles (0.00037%); highest among the groups gnomAD compares: African/African-American, 0.008%; no homozygotes.

Submission:

Labcorp Genetics (formerly Invitae), Labcorp
Classification: Uncertain significance. Last evaluated: 2022-08-19. Review status: criteria provided, single submitter. Criteria: Invitae Variant Classification Sherloc (09022015). Collection method: clinical testing. Allele origin: germline.
Comment: The frequency data for this variant in the population databases is considered unreliable, as metrics indicate poor data quality at this position in the gnomAD database. This sequence change replaces glycine, which is neutral and non-polar, with alanine, which is neutral and non-polar, at codon 41 of the HELLS protein (p.Gly41Ala). This variant has not been reported in the literature in individuals affected with HELLS-related conditions. In summary, the available evidence is currently insufficient to determine the role of this variant in disease. Therefore, it has been classified as a Variant of Uncertain Significance. Algorithms developed to predict the effect of missense changes on protein structure and function (SIFT, PolyPhen-2, Align-GVGD) all suggest that this variant is likely to be tolerated.